The following is an entry in ClinVar:

NM_001250.6(CD40):c.382G>A (p.Gly128Ser)

Gene: CD40 (CD40 molecule; plus strand). Cytogenetic location: 20q13.12.
Variant type: single nucleotide variant.
Coding change: c.382G>A on transcript NM_001250.6 (MANE Select); coding-DNA position 382, G replaced by A.
Protein change: p.Gly128Ser; replaces glycine 128 with serine.
Molecular consequence: missense variant. On other transcripts: non-coding transcript variant (2).
Genome position (GRCh38, 1-based): chr20:46,122,735, G>A. VCF-style: chr20-46122735-G-A. GRCh37 (hg19) VCF-style: chr20-44751374-G-A.
Other names: c.382G>A, p.Gly128Ser (NM_001302753.2, NM_001322421.2, NM_001322422.2 and 2 more transcripts); short protein forms G128S.
Identifiers: ClinVar variation 1524502 (VCV001524502.6), dbSNP rs754006524, ClinGen allele CA9888456.

ClinVar aggregate classification (germline): Uncertain significance (1 of 4 stars; one submission).

Allele frequency attached by ClinVar (database versions not stated): gnomAD exomes below 0.00001; TOPMed below 0.00001; ExAC 0.00001.
gnomAD v4.1: 6 of 1,614,144 alleles (0.00037%); highest among the groups gnomAD compares: South Asian, 0.0022%; no homozygotes.

Submission:

Labcorp Genetics (formerly Invitae), Labcorp
Classification: Uncertain significance. Last evaluated: 2025-12-11. Review status: criteria provided, single submitter. Criteria: Invitae Variant Classification Sherloc (09022015). Collection method: clinical testing. Allele origin: germline.
Comment: This sequence change replaces glycine, which is neutral and non-polar, with serine, which is neutral and polar, at codon 128 of the CD40 protein (p.Gly128Ser). This variant is present in population databases (rs754006524, gnomAD 0.003%). This variant has not been reported in the literature in individuals affected with CD40-related conditions. ClinVar contains an entry for this variant (Variation ID: 1524502). Invitae Evidence Modeling of protein sequence and biophysical properties (such as structural, functional, and spatial information, amino acid conservation, physicochemical variation, residue mobility, and thermodynamic stability) indicates that this missense variant is expected to disrupt CD40 protein function with a positive predictive value of 80%. In summary, the available evidence is currently insufficient to determine the role of this variant in disease. Therefore, it has been classified as a Variant of Uncertain Significance.